The following is an entry in ClinVar:

ClinVar aggregate classification (germline): Conflicting classifications of pathogenicity. Review status: criteria provided, conflicting classifications (1 of 4 stars). 2 submissions from 2 submitters: Uncertain significance (1); Likely benign (1). Last evaluated 2024-10-24.

Conditions:
Developmental and epileptic encephalopathy, 54. Also called: Epileptic encephalopathy, early infantile, 54; HNRNPU-Related Neurodevelopmental Disorder. Identifiers: MedGen C4479319, MONDO:0033363, OMIM 617391.

Allele frequency attached by ClinVar (database versions not stated): TOPMed below 0.00001.

Submissions (2):

Labcorp Genetics (formerly Invitae), Labcorp
Classification: Likely benign for Developmental and epileptic encephalopathy, 54. Last evaluated: 2024-10-24. Review status: criteria provided, single submitter. Criteria: Invitae Variant Classification Sherloc (09022015). Collection method: clinical testing. Allele origin: germline.

GeneDx
Classification: Uncertain significance. Last evaluated: 2017-02-09. Review status: criteria provided, single submitter. Criteria: GeneDx Variant Classification (06012015). Collection method: clinical testing. Allele origin: germline. Affected: yes.
Comment: The Q822H variant in the HNRNPU gene has not been reported previously as a pathogenic variant, nor as a benign variant, to our knowledge. The Q822H variant is not observed in large population cohorts (Lek et al., 2016; 1000 Genomes Consortium et al., 2015; Exome Variant Server). The Q822H variant is a semi-conservative amino acid substitution, which may impact secondary protein structure as these residues differ in some properties. This substitution occurs at a position that is conserved in mammals, however, in silico analysis is inconsistent in its predictions as to whether or not the variant is damaging to the protein structure/function. We interpret Q822H as a variant of uncertain significance.

NM_031844.3(HNRNPU):c.2466A>T (p.Gln822His)

Gene: HNRNPU (heterogeneous nuclear ribonucleoprotein U; minus strand). Cytogenetic location: 1q44.
Variant type: single nucleotide variant.
Coding change: c.2466A>T on transcript NM_031844.3 (MANE Select); coding-DNA position 2466, A replaced by T.
Protein change: p.Gln822His; replaces glutamine 822 with histidine.
Molecular consequence: missense variant.
Genome position (GRCh38, 1-based): chr1:244,854,462, T>A on the plus strand (A>T on the coding strand, the complement: HNRNPU is on the minus strand). VCF-style: chr1-244854462-T-A. GRCh37 (hg19) VCF-style: chr1-245017764-T-A.
Other names: c.2409A>T, p.Gln803His (NM_004501.3); short protein forms Q822H, Q803H.
Identifiers: ClinVar variation 423250 (VCV000423250.6), dbSNP rs1064796325, ClinGen allele CA16617124.